The following is an entry in ClinVar:

NM_001458.5(FLNC):c.7780+2T>C

Genes: FLNC-AS1 (FLNC antisense RNA 1; minus strand), FLNC (filamin C; plus strand). Cytogenetic location: 7q32.1.
Variant type: single nucleotide variant.
Coding change: c.7780+2T>C on transcript NM_001458.5 (MANE Select); the canonical splice donor site of the intron after coding-DNA position 7780, T replaced by C.
Molecular consequence: splice donor variant.
Genome position (GRCh38, 1-based): chr7:128,857,338, T>C. VCF-style: chr7-128857338-T-C. GRCh37 (hg19) VCF-style: chr7-128497392-T-C.
Other names: c.7681+2T>C (NM_001127487.2).
Identifiers: ClinVar variation 942401 (VCV000942401.1), dbSNP rs1809110247, ClinGen allele CA369219991.

ClinVar aggregate classification (germline): Likely pathogenic (1 of 4 stars; one submission).

Conditions:
Myofibrillar myopathy 5. Also called: FILAMINOPATHY, AUTOSOMAL DOMINANT; Filaminopathy (type). Identifiers: Orphanet 171445, MedGen C1836050, MONDO:0012289, OMIM 609524.
Distal myopathy with posterior leg and anterior hand involvement. Also called: WILLIAMS DISTAL MYOPATHY. Identifiers: Orphanet 63273, MedGen C3279722, MONDO:0013550, OMIM 614065.
Hypertrophic cardiomyopathy 26. Also called: Cardiomyopathy, familial hypertrophic, 26. Identifiers: Orphanet 75249, MedGen C4310749, MONDO:0014883, OMIM 617047.
Dilated Cardiomyopathy, Dominant.

Submission:

Labcorp Genetics (formerly Invitae), Labcorp
Classification: Likely pathogenic for Myopathy, distal, 4; Dilated Cardiomyopathy, Dominant; Myofibrillar myopathy, filamin C-related; Cardiomyopathy, familial hypertrophic, 26. Last evaluated: 2019-06-12. Review status: criteria provided, single submitter. Criteria: Invitae Variant Classification Sherloc (09022015). Collection method: clinical testing. Allele origin: germline.
Comment: This sequence change affects a donor splice site in intron 46 of the FLNC gene. It is expected to disrupt RNA splicing and likely results in an absent or disrupted protein product. This variant is not present in population databases (ExAC no frequency). This variant has not been reported in the literature in individuals with FLNC-related conditions. Algorithms developed to predict the effect of sequence changes on RNA splicing suggest that this variant may disrupt the consensus splice site, but this prediction has not been confirmed by published transcriptional studies. Donor and acceptor splice site variants typically lead to a loss of protein function (PMID: 16199547), and loss-of-function variants in FLNC are known to be pathogenic (PMID: 27908349). In summary, the currently available evidence indicates that the variant is pathogenic, but additional data are needed to prove that conclusively. Therefore, this variant has been classified as Likely Pathogenic.

Literature cited by the submitters: PubMed 27908349.